The following is an entry in ClinVar:

ClinVar aggregate classification (germline): Uncertain significance (1 of 4 stars; one submission).

Conditions:
Cataract 21 multiple types. Also called: CATARACT 21, MULTIPLE TYPES, WITH OR WITHOUT MICROCORNEA; CATARACT 21, CERULEAN, WITH OR WITHOUT MICROCORNEA; CATARACT 21, MULTIPLE TYPES, WITH MICROCORNEA; Cataract, congenital, cerulean type, 4. Identifiers: Orphanet 91492, MedGen C1857768, MONDO:0012437, OMIM 610202.
Ayme-Gripp syndrome. Also called: Aymé-Gripp Syndrome. Identifiers: MedGen C1832812, MONDO:0010992, OMIM 601088.

Allele frequency attached by ClinVar (database versions not stated): gnomAD exomes below 0.00001; TOPMed 0.00002.
gnomAD v4.1: 9 of 978,414 alleles (0.00092%); highest among the groups gnomAD compares: East Asian, 0.071%; no homozygotes.

Submission:

Labcorp Genetics (formerly Invitae), Labcorp
Classification: Uncertain significance for Cataract 21 multiple types; Ayme-Gripp syndrome. Last evaluated: 2022-07-30. Review status: criteria provided, single submitter. Criteria: Invitae Variant Classification Sherloc (09022015). Collection method: clinical testing. Allele origin: germline.
Comment: This sequence change replaces glycine, which is neutral and non-polar, with aspartic acid, which is acidic and polar, at codon 215 of the MAF protein (p.Gly215Asp). This variant is present in population databases (no rsID available, gnomAD 0.1%). This variant has not been reported in the literature in individuals affected with MAF-related conditions. Algorithms developed to predict the effect of missense changes on protein structure and function are either unavailable or do not agree on the potential impact of this missense change (SIFT: "Tolerated"; PolyPhen-2: "Not Available"; Align-GVGD: "Class C0"). In summary, the available evidence is currently insufficient to determine the role of this variant in disease. Therefore, it has been classified as a Variant of Uncertain Significance.

NM_005360.5(MAF):c.644G>A (p.Gly215Asp)

Gene: MAF (MAF bZIP transcription factor; minus strand). Cytogenetic location: 16q23.2.
Variant type: single nucleotide variant.
Coding change: c.644G>A on transcript NM_005360.5 (MANE Select); coding-DNA position 644, G replaced by A.
Protein change: p.Gly215Asp; replaces glycine 215 with aspartic acid.
Molecular consequence: missense variant.
Genome position (GRCh38, 1-based): chr16:79,599,259, C>T on the plus strand (G>A on the coding strand, the complement: MAF is on the minus strand). VCF-style: chr16-79599259-C-T. GRCh37 (hg19) VCF-style: chr16-79633156-C-T.
Other names: c.644G>A, p.Gly215Asp (NM_001031804.3); short protein forms G215D.
Identifiers: ClinVar variation 2141242 (VCV002141242.4), dbSNP rs1316735017, ClinGen allele CA396535514.
Genomic context (GRCh38, chr16:79,599,259, plus strand): 5'-CCTCCGCCGCCGCCGCCGCCGCCGCCGCCCCCAGCGCTGGCCGGGCCACCGCCGCCCGCG[C>T]CCCCAGCGCCACCGGCCGAGGCGGCCGCGCTGCCCGCGGCGCCGGGCGCGCCGGCCGTCG-3'
Protein context (NP_005351.2, residues 205-225): SAAASAGGAG[Gly215Asp]AGGGGPASAG